The following is an entry in ClinVar:

ClinVar aggregate classification (germline): Uncertain significance. Review status: criteria provided, multiple submitters, no conflicts (2 of 4 stars). 2 submissions from 2 submitters: Uncertain significance (2). Last evaluated 2026-04-01.

Conditions:
Dilated cardiomyopathy 1G (CMD1G). Identifiers: Orphanet 154, MedGen C1858763, MONDO:0011400, OMIM 604145.
Autosomal recessive limb-girdle muscular dystrophy type 2J (LGMDR10). Also called: Limb-girdle muscular dystrophy, type 2J; MUSCULAR DYSTROPHY, LIMB-GIRDLE, AUTOSOMAL RECESSIVE 10. Identifiers: Orphanet 140922, MedGen C1837342, MONDO:0012127, OMIM 608807.

gnomAD v4.1: 1 of 1,609,432 alleles (0.000062%); highest among the groups gnomAD compares: South Asian, 0.0011%; no homozygotes.

Submissions (2):

CeGaT Center for Human Genetics Tuebingen
Classification: Uncertain significance. Last evaluated: 2026-04-01. Review status: criteria provided, single submitter. Criteria: CeGaT Center For Human Genetics Tuebingen Variant Classification Criteria Version 2. Collection method: clinical testing. Allele origin: germline. Affected: yes. Observed: 1 variant allele.
Comment: TTN: PM2

Labcorp Genetics (formerly Invitae), Labcorp
Classification: Uncertain significance for Dilated cardiomyopathy 1G; Autosomal recessive limb-girdle muscular dystrophy type 2J. Last evaluated: 2024-10-18. Review status: criteria provided, single submitter. Criteria: Invitae Variant Classification Sherloc (09022015). Collection method: clinical testing. Allele origin: germline.
Comment: This sequence change falls in intron 362 of the TTN gene. It does not directly change the encoded amino acid sequence of the TTN protein. It affects a nucleotide within the consensus splice site. This variant is not present in population databases (gnomAD no frequency). This variant has not been reported in the literature in individuals affected with TTN-related conditions. ClinVar contains an entry for this variant (Variation ID: 2050984). Variants that disrupt the consensus splice site are a relatively common cause of aberrant splicing (PMID: 17576681, 9536098). Algorithms developed to predict the effect of sequence changes on RNA splicing suggest that this variant may disrupt the consensus splice site. This variant is located in the M band of TTN (PMID: 25589632). Non-truncating variants in this region may be relevant for neuromuscular disorders, but have not been definitively shown to cause cardiomyopathy (PMID: 23975875). In summary, the available evidence is currently insufficient to determine the role of this variant in disease. Therefore, it has been classified as a Variant of Uncertain Significance.

Literature cited by the submitters: PubMed 17576681 (cited by Labcorp Genetics (formerly Invitae), Labcorp); PubMed 9536098 (cited by Labcorp Genetics (formerly Invitae), Labcorp); PubMed 25589632 (cited by Labcorp Genetics (formerly Invitae), Labcorp); PubMed 23975875 (cited by Labcorp Genetics (formerly Invitae), Labcorp).

NM_001267550.2(TTN):c.107680+4A>C

Genes: TTN-AS1 (TTN antisense RNA 1; plus strand), TTN (titin; minus strand). Cytogenetic location: 2q31.2.
Variant type: single nucleotide variant.
Coding change: c.107680+4A>C on transcript NM_001267550.2 (MANE Select); 4 bases into the intron after coding-DNA position 107680, A replaced by C.
Molecular consequence: intron variant.
Genome position (GRCh38, 1-based): chr2:178,527,442, T>G on the plus strand (A>C on the coding strand, the complement: TTN is on the minus strand). VCF-style: chr2-178527442-T-G. GRCh37 (hg19) VCF-style: chr2-179392169-T-G.
Other names: c.80485+4A>C (NM_003319.4); c.81061+4A>C (NM_133437.4); c.80860+4A>C (NM_133432.3); c.99976+4A>C (NM_133378.4); c.102757+4A>C (NM_001256850.1).
Identifiers: ClinVar variation 2050984 (VCV002050984.6), dbSNP rs2468244020, ClinGen allele CA2580064614.
Genomic context (GRCh38, chr2:178,527,442, plus strand): 5'-GTGTACTAAAGACTACACCATGTTACTTGGCTTGTCTACCTCTACCAGTAATTTTATTGC[T>G]CACCTCTTATGCCTGCTTTAAGCATTTTACTAGTTGAGCTTTCCAGTTGTGTCATATTAG-3'